The following is an entry in ClinVar:

NM_194293.4(XIRP1):c.1122C>A (p.Val374=)

Gene: XIRP1 (xin actin binding repeat containing 1; minus strand). Cytogenetic location: 3p22.2.
Variant type: single nucleotide variant.
Coding change: c.1122C>A on transcript NM_194293.4 (MANE Select); coding-DNA position 1122, C replaced by A.
Protein change: p.Val374=; no amino-acid change (valine 374 retained).
Molecular consequence: synonymous variant. On other transcripts: intron variant (1).
Genome position (GRCh38, 1-based): chr3:39,188,324, G>T on the plus strand (C>A on the coding strand, the complement: XIRP1 is on the minus strand). VCF-style: chr3-39188324-G-T. GRCh37 (hg19) VCF-style: chr3-39229815-G-T.
Other names: c.1122C>A, p.Val374= (NM_001198621.4); c.-167-2663C>A (NM_001351377.2).
Identifiers: ClinVar variation 3050623 (VCV003050623.2), dbSNP rs145889819, ClinGen allele CA2326576.

ClinVar aggregate classification (germline): Benign (0 of 4 stars; one submission).

Conditions:
XIRP1-related disorder. Also called: XIRP1-related condition.

Allele frequency attached by ClinVar (database versions not stated): gnomAD exomes 0.00030; ExAC 0.00066; ESP Exome Variant Server 0.00208; 1000 Genomes Project 0.00300; 1000 Genomes Project 30x 0.00344.

Submission:

PreventionGenetics, part of Exact Sciences
Classification: Benign for XIRP1-related condition. Last evaluated: 2019-07-13. Review status: no assertion criteria provided. Collection method: clinical testing. Allele origin: germline.
Comment: This variant is classified as benign based on ACMG/AMP sequence variant interpretation guidelines (Richards et al. 2015 PMID: 25741868, with internal and published modifications).